The following is an entry in ClinVar:

NM_018451.5(CPAP):c.265_266del (p.Gln89fs)

Gene: CPAP (centrosome assembly and centriole elongation protein; minus strand). Cytogenetic location: 13q12.13.
Variant type: Microsatellite.
Coding change: c.265_266del on transcript NM_018451.5 (MANE Select); coding-DNA positions 265 to 266, 2 bases deleted (CA; older notation c.265_266delCA).
Protein change: p.Gln89fs; shifts the reading frame from glutamine 89.
Molecular consequence: frameshift variant. On other transcripts: non-coding transcript variant (2).
Genome position (GRCh38, 1-based): chr13:24,912,760-24,912,761, TG deleted on the plus strand (CA on the coding strand, the reverse complement: CPAP is on the minus strand); deleting any 2 consecutive bases within chr13:24,912,760-24,912,763 gives the same sequence; the c. name uses the placement nearest the transcript's 3' end. VCF-style (leftmost placement, unchanged base first): chr13-24912759-CTG-C. GRCh37 (hg19) VCF-style: chr13-25486897-CTG-C.
Other names: NR_047595.2:n.432_433del; short protein forms Q89fs.
Identifiers: ClinVar variation 1679845 (VCV001679845.1), dbSNP rs2138660627, ClinGen allele CA923726058.

ClinVar aggregate classification (germline): Likely pathogenic (1 of 4 stars; one submission).

Conditions:
Microcephaly 6, primary, autosomal recessive. Identifiers: Orphanet 2512, MedGen C1842109, MONDO:0012029, OMIM 608393.

Submission:

Broad Center for Mendelian Genomics, Broad Institute of MIT and Harvard
Classification: Likely pathogenic for Microcephaly 6, primary, autosomal recessive. Last evaluated: 2022-05-04. Review status: criteria provided, single submitter. Criteria: ACMG Guidelines, 2015. Collection method: curation. Allele origin: germline. Inheritance: Autosomal recessive inheritance.
Comment: The variant has not been previously reported in individuals with primary microcephaly 6 and was absent from large population studies. This variant is predicted to cause a frameshift, which alters the protein’s amino acid sequence beginning at position 89 and leads to a premature termination codon 3 amino acids downstream. This alteration is then predicted to lead to a truncated or absent protein. Loss of function of the CENPJ gene is an established disease mechanism in autosomal recessive primary microcephaly 6. In summary, although additional studies are required to fully establish its clinical significance, this variant is likely pathogenic. ACMG/AMP Criteria applied: PVS1, PM2 (Richards 2015).